The following is an entry in ClinVar:

NM_004360.5(CDH1):c.353C>G (p.Thr118Arg)

Gene: CDH1 (cadherin 1; plus strand). Cytogenetic location: 16q22.1.
Variant type: single nucleotide variant.
Coding change: c.353C>G on transcript NM_004360.5 (MANE Select); coding-DNA position 353, C replaced by G.
Protein change: p.Thr118Arg; replaces threonine 118 with arginine.
Molecular consequence: missense variant. On other transcripts: 5 prime UTR variant (2).
Genome position (GRCh38, 1-based): chr16:68,801,859, C>G. VCF-style: chr16-68801859-C-G. GRCh37 (hg19) VCF-style: chr16-68835762-C-G.
Other names: c.353C>G (LRG_301t1); c.353C>G, p.Thr118Arg (NM_001317184.2); c.-1263C>G (NM_001317185.2); c.-1467C>G (NM_001317186.2); short protein forms T118R.
Identifiers: ClinVar variation 142730 (VCV000142730.12), dbSNP rs587782677, ClinGen allele CA169264.
Genomic context (GRCh38, chr16:68,801,859, plus strand): 5'-TCTTGGTCTACGCCTGGGACTCCACCTACAGAAAGTTTTCCACCAAAGTCACGCTGAATA[C>G]AGTGGGGCACCACCACCGCCCCCCGCCCCATCAGGTATGTTGGCATTTTTCTGAGAAGTT-3'
Protein context (NP_004351.1, residues 108-128): RKFSTKVTLN[Thr118Arg]VGHHHRPPPH

ClinVar aggregate classification (germline): Uncertain significance. Review status: criteria provided, multiple submitters, no conflicts (2 of 4 stars). 3 submissions from 3 submitters: Uncertain significance (3). Last evaluated 2024-09-12.

Conditions:
Hereditary cancer-predisposing syndrome. Also called: Neoplastic Syndromes, Hereditary; Hereditary Cancer Syndrome; Tumor predisposition; Hereditary neoplastic syndrome. Identifiers: Orphanet 140162, MedGen C0027672, MeSH D009386, MONDO:0015356.
Hereditary diffuse gastric adenocarcinoma (HDGC). Also called: DIFFUSE GASTRIC AND LOBULAR BREAST CANCER SYNDROME. Identifiers: Orphanet 26106, MedGen C1708349, MONDO:0007648, OMIM 137215.

Allele frequency attached by ClinVar (database versions not stated): gnomAD exomes below 0.00001.
gnomAD v4.1: 1 of 1,614,186 alleles (0.000062%); highest among the groups gnomAD compares: Non-Finnish European, 0.000085%; no homozygotes.

Submissions (3):

Ambry Genetics
Classification: Uncertain significance for Hereditary cancer-predisposing syndrome. Last evaluated: 2024-09-12. Review status: criteria provided, single submitter. Criteria: Ambry Variant Classification Scheme 2023. Collection method: clinical testing. Allele origin: germline.
Comment: The p.T118R variant (also known as c.353C>G), located in coding exon 3 of the CDH1 gene, results from a C to G substitution at nucleotide position 353. The threonine at codon 118 is replaced by arginine, an amino acid with similar properties. This alteration has been identified in an individual with personal history of diffuse gastric cancer and family history of gastric cancer, type unspecified (Suriano G, et al. J. Mol. Med. 2006 Dec; 84(12):1023-31). Functional studies have shown that p.T118R mutants display an increase in cell migration and invasion potential due to reduced cell to cell adhesion, a known function of E-cadherin (Suriano G, et al. J. Mol. Med. 2006 Dec; 84(12):1023-31. More H, et al. Hum. Mutat. 2007 Feb; 28(2):203). Another study has demonstrated decreased stability of the EGFR/E-cadherin heteromers, resulting in increased EGRF activity (Mateus AR, et al. Exp. Cell Res. 2009 May; 315(8):1393-402). This amino acid position is poorly conserved in available vertebrate species. In addition, this alteration is predicted to be tolerated by in silico analysis. Since supporting evidence is limited at this time, the clinical significance of this alteration remains unclear.

Labcorp Genetics (formerly Invitae), Labcorp
Classification: Uncertain significance for Hereditary diffuse gastric adenocarcinoma. Last evaluated: 2024-03-16. Review status: criteria provided, single submitter. Criteria: Invitae Variant Classification Sherloc (09022015). Collection method: clinical testing. Allele origin: germline.
Comment: This sequence change replaces threonine, which is neutral and polar, with arginine, which is basic and polar, at codon 118 of the CDH1 protein (p.Thr118Arg). This variant is not present in population databases (gnomAD no frequency). This missense change has been observed in individual(s) with diffuse gastric cancer (PMID: 17221870). ClinVar contains an entry for this variant (Variation ID: 142730). Algorithms developed to predict the effect of missense changes on protein structure and function output the following: SIFT: "Not Available"; PolyPhen-2: "Benign"; Align-GVGD: "Not Available". The arginine amino acid residue is found in multiple mammalian species, which suggests that this missense change does not adversely affect protein function. Experimental studies are conflicting or provide insufficient evidence to determine the effect of this variant on CDH1 function (PMID: 17221870, 19268661). In summary, the available evidence is currently insufficient to determine the role of this variant in disease. Therefore, it has been classified as a Variant of Uncertain Significance.

Blueprint Genetics
Classification: Uncertain significance. Last evaluated: 2023-08-30. Review status: criteria provided, single submitter. Criteria: ACMG Guidelines, 2015. Collection method: clinical testing. Allele origin: germline.

Literature cited by the submitters: PubMed 16924464 (cited by Ambry Genetics); PubMed 17221870 (cited by Ambry Genetics and Labcorp Genetics (formerly Invitae), Labcorp); PubMed 19268661 (cited by Ambry Genetics and Labcorp Genetics (formerly Invitae), Labcorp); PubMed 30745422 (cited by Ambry Genetics).